The following is an entry in ClinVar:

ClinVar aggregate classification (germline): Benign. Review status: criteria provided, multiple submitters, no conflicts (2 of 4 stars). 6 submissions from 6 submitters: Benign (6). Last evaluated 2026-02-03.

Allele frequency attached by ClinVar (database versions not stated): gnomAD exomes 0.03696 and 0.05780; ExAC 0.06590; gnomAD 0.15531 and 0.16468; TOPMed 0.17322; 1000 Genomes Project 0.17612; ESP Exome Variant Server 0.17930; 1000 Genomes Project 30x 0.18770.
gnomAD v4.1: 78,073 of 1,604,462 alleles (4.9%); highest among the groups gnomAD compares: African/African-American, 50%; 10,231 homozygotes.

Submissions (6):

Labcorp Genetics (formerly Invitae), Labcorp
Classification: Benign. Last evaluated: 2026-02-03. Review status: criteria provided, single submitter. Criteria: Invitae Variant Classification Sherloc (09022015). Collection method: clinical testing. Allele origin: germline.

Mayo Clinic Laboratories, Mayo Clinic
Classification: Benign. Last evaluated: 2020-10-02. Review status: criteria provided, single submitter. Criteria: ACMG Guidelines, 2015. Collection method: clinical testing. Allele origin: germline. Observed: 16 variant alleles.

Athena Diagnostics
Classification: Benign. Last evaluated: 2018-05-24. Review status: criteria provided, single submitter. Criteria: Athena Diagnostics Criteria. Collection method: clinical testing. Allele origin: germline.

Laboratory for Molecular Medicine, Mass General Brigham Personalized Medicine
Classification: Benign. Last evaluated: 2017-08-23. Review status: criteria provided, single submitter. Criteria: LMM Criteria. Collection method: clinical testing. Allele origin: germline. Observed: 47 variant alleles.
Comment: p.Leu784Leu in exon 20 of EPS8: This variant is not expected to have clinical si gnificance because it does not alter an amino acid residue, is not located withi n the splice consensus sequence, and has been identified in 48.80% (5077/10404) of African chromosomes by the Exome Aggregation Consortium (ExAC; dbSNP rs1126786).

GeneDx
Classification: Benign. Last evaluated: 2017-05-09. Review status: criteria provided, single submitter. Criteria: GeneDx Variant Classification (06012015). Collection method: clinical testing. Allele origin: germline. Affected: yes.
Comment: This variant is considered likely benign or benign based on one or more of the following criteria: it is a conservative change, it occurs at a poorly conserved position in the protein, it is predicted to be benign by multiple in silico algorithms, and/or has population frequency not consistent with disease.

Breakthrough Genomics
Classification: Benign. Review status: criteria provided, single submitter. Criteria: ACMG Guidelines, 2015. Collection method: not provided. Allele origin: germline. Inheritance: Autosomal recessive inheritance. Affected: yes.

NM_004447.6(EPS8):c.2352G>A (p.Leu784=)

Gene: EPS8 (EGFR pathway substrate 8, signaling adaptor; minus strand). Cytogenetic location: 12p12.3.
Variant type: single nucleotide variant.
Coding change: c.2352G>A on transcript NM_004447.6 (MANE Select); coding-DNA position 2352, G replaced by A.
Protein change: p.Leu784=; no amino-acid change (leucine 784 retained).
Molecular consequence: synonymous variant.
Genome position (GRCh38, 1-based): chr12:15,623,161, C>T on the plus strand (G>A on the coding strand, the complement: EPS8 is on the minus strand). VCF-style: chr12-15623161-C-T. GRCh37 (hg19) VCF-style: chr12-15776095-C-T.
Other names: p.Leu784=.
Identifiers: ClinVar variation 508137 (VCV000508137.15), dbSNP rs1126786, ClinGen allele CA6467290.